The following is an entry in ClinVar:

ClinVar aggregate classification (germline): Likely benign. Review status: criteria provided, multiple submitters, no conflicts (2 of 4 stars). 3 submissions from 3 submitters: Likely benign (3). Last evaluated 2025-08-25.

Conditions:
Inborn genetic diseases. Identifiers: MedGen C0950123, MeSH D030342.
PURA-related severe neonatal hypotonia-seizures-encephalopathy syndrome (NEDRIHF). Also called: NEURODEVELOPMENTAL DISORDER WITH NEONATAL RESPIRATORY INSUFFICIENCY, HYPOTONIA, AND FEEDING DIFFICULTIES; PURA-Related Neurodevelopmental Disorders. Identifiers: Orphanet 438213, Orphanet 438216, MedGen C4015357, MONDO:1060108, OMIM 616158, MONDO:0018580.

Allele frequency attached by ClinVar (database versions not stated): gnomAD exomes below 0.00001; ExAC 0.00001; TOPMed 0.00002.
gnomAD v4.1: 1 of 1,612,848 alleles (0.000062%); highest among the groups gnomAD compares: Non-Finnish European, 0.000085%; no homozygotes.

Submissions (3):

Labcorp Genetics (formerly Invitae), Labcorp
Classification: Likely benign for PURA-related severe neonatal hypotonia-seizures-encephalopathy syndrome. Last evaluated: 2025-08-25. Review status: criteria provided, single submitter. Criteria: Invitae Variant Classification Sherloc (09022015). Collection method: clinical testing. Allele origin: germline.

Mayo Clinic Laboratories, Mayo Clinic
Classification: Likely benign. Last evaluated: 2025-05-09. Review status: criteria provided, single submitter. Criteria: ACMG Guidelines, 2015. Collection method: clinical testing. Allele origin: germline. Observed: 1 variant allele.
Comment: BP4, BP7

Ambry Genetics
Classification: Likely benign for Inborn genetic diseases. Last evaluated: 2016-03-17. Review status: criteria provided, single submitter. Criteria: Ambry Variant Classification Scheme 2023. Collection method: clinical testing. Allele origin: germline.

NM_005859.5(PURA):c.531G>C (p.Gly177=)

Gene: PURA (purine rich element binding protein A; plus strand). Cytogenetic location: 5q31.3.
Variant type: single nucleotide variant.
Coding change: c.531G>C on transcript NM_005859.5 (MANE Select); coding-DNA position 531, G replaced by C.
Protein change: p.Gly177=; no amino-acid change (glycine 177 retained).
Molecular consequence: synonymous variant.
Genome position (GRCh38, 1-based): chr5:140,114,712, G>C. VCF-style: chr5-140114712-G-C. GRCh37 (hg19) VCF-style: chr5-139494297-G-C.
Other names: p.Gly177=.
Identifiers: ClinVar variation 589245 (VCV000589245.17), dbSNP rs746119626, ClinGen allele CA3437477.
Genomic context (GRCh38, chr5:140,114,712, plus strand): 5'-GGATCTCAAGGAGAACCAGCGCGGCCGCTTCCTGCGCATCCGCCAGACGGTCAACCGGGG[G>C]CCTGGCCTGGGCTCCACGCAGGGCCAGACCATTGCGCTGCCCGCGCAGGGGCTCATCGAG-3'
Protein context (NP_005850.1, residues 167-187): FLRIRQTVNR[Gly177=]PGLGSTQGQT